The following is an entry in ClinVar:

ClinVar aggregate classification (germline): Pathogenic. Review status: criteria provided, single submitter (1 of 4 stars). 2 submissions from 2 submitters: Pathogenic (1). 1 of the submissions does not count toward it. Last evaluated 2025-02-04.

Conditions:
Waardenburg syndrome type 2E (WS2E). Also called: WAARDENBURG SYNDROME, TYPE 2E, WITH OR WITHOUT NEUROLOGIC INVOLVEMENT; WS2E, WITH OR WITHOUT NEUROLOGIC INVOLVEMENT; HYPOGONADOTROPIC HYPOGONADISM WITH ANOSMIA AND DEAFNESS, WITH OR WITHOUT HYPOPIGMENTATION. Identifiers: Orphanet 3440, MedGen C2700405, MONDO:0012698, OMIM 611584.

Allele frequency attached by ClinVar (database versions not stated): gnomAD exomes below 0.00001.
gnomAD v4.1: 1 of 1,604,336 alleles (0.000062%); no homozygotes.

Submissions (2):

3billion
Classification: Pathogenic for Waardenburg syndrome type 2E. Last evaluated: 2025-02-04. Review status: criteria provided, single submitter. Criteria: ACMG Guidelines, 2015. Collection method: clinical testing. Allele origin: germline. Affected: yes.
Comment: The variant is observed at an extremely low frequency in the gnomAD v4.1.0 dataset (total allele frequency: <0.001%). Predicted Consequence/Location: Stop-gained (nonsense): predicted to result in a loss or disruption of normal protein function through nonsense-mediated decay (NMD) or protein truncation. Multiple pathogenic variants are reported downstream of the variant. The variant has been reported to be associated with SOX10-related disorder (ClinVar ID: VCV000599071). Therefore, this variant is classified as Pathogenic according to the recommendation of ACMG/AMP guideline.

Bioscientia Institut fuer Medizinische Diagnostik GmbH, Sonic Healthcare
Classification: Pathogenic for Waardenburg syndrome type 2E. Last evaluated: 2018-01-17. Review status: no assertion criteria provided. Collection method: clinical testing. Allele origin: germline. Affected: yes. Not counted in ClinVar's aggregate classification.

NM_006941.4(SOX10):c.487C>T (p.Gln163Ter)

Genes: POLR2F (RNA polymerase II, I and III subunit F; plus strand), SOX10 (SRY-box transcription factor 10; minus strand). Cytogenetic location: 22q13.1.
Variant type: single nucleotide variant.
Coding change: c.487C>T on transcript NM_006941.4 (MANE Select); coding-DNA position 487, C replaced by T.
Protein change: p.Gln163Ter; replaces glutamine 163 with a stop codon.
Molecular consequence: nonsense. On other transcripts: intron variant (3).
Genome position (GRCh38, 1-based): chr22:37,978,077, G>A on the plus strand (C>T on the coding strand, the complement: SOX10 is on the minus strand). VCF-style: chr22-37978077-G-A. GRCh37 (hg19) VCF-style: chr22-38374084-G-A.
Other names: c.*38+5767G>A (NM_001363825.1); c.294-8077G>A (NM_001301130.2); c.293+10907G>A (NM_001301131.2); short protein forms Q163*.
Identifiers: ClinVar variation 599071 (VCV000599071.5), dbSNP rs1569169289, ClinGen allele CA411497959.